The following is an entry in ClinVar:

NM_004100.5(EYA4):c.1261T>G (p.Leu421Val)

Genes: EYA4 (EYA transcriptional coactivator and phosphatase 4; plus strand), TARID (TCF21 antisense RNA inducing promoter demethylation; minus strand), LOC126859796 (MED14-independent group 3 enhancer GRCh37_chr6:133826289-133827488; plus strand). Cytogenetic location: 6q23.2.
Variant type: single nucleotide variant.
Coding change: c.1261T>G on transcript NM_004100.5 (MANE Select); coding-DNA position 1261, T replaced by G.
Protein change: p.Leu421Val; replaces leucine 421 with valine.
Molecular consequence: missense variant. On other transcripts: non-coding transcript variant (1).
Genome position (GRCh38, 1-based): chr6:133,506,175, T>G. VCF-style: chr6-133506175-T-G. GRCh37 (hg19) VCF-style: chr6-133827313-T-G.
Other names: c.1099T>G, p.Leu367Val (NM_001301012.2); c.1279T>G, p.Leu427Val (NM_001301013.2); c.1192T>G, p.Leu398Val (NM_001370458.1, NM_172103.4); c.1117T>G, p.Leu373Val (NM_001370459.1); c.1261T>G, p.Leu421Val (NM_172105.4); short protein forms L367V, L373V, L398V, L421V, L427V.
Identifiers: ClinVar variation 1693092 (VCV001693092.5), dbSNP rs2128760917, ClinGen allele CA365713669.
Genomic context (GRCh38, chr6:133,506,175, plus strand): 5'-ATGGCTGTAACCCTTGGACTCCGCATGGAAGAAATGATTTTTAATCTTGCTGATACTCAT[T>G]TGTTTTTTAATGATTTAGAGGTAAGAATTTTACAAGGTACAAATAGTTGTATCCAACACC-3'
Protein context (NP_004091.3, residues 411-431): EMIFNLADTH[Leu421Val]FFNDLEECDQ

ClinVar aggregate classification (germline): Uncertain significance. Review status: criteria provided, multiple submitters, no conflicts (2 of 4 stars). 2 submissions from 2 submitters: Uncertain significance (2). Last evaluated 2023-08-27.

Conditions:
Dilated cardiomyopathy 1J (CMD1J). Also called: CARDIOMYOPATHY, DILATED, WITH SENSORINEURAL HEARING LOSS, AUTOSOMAL DOMINANT. Identifiers: Orphanet 217622, MedGen C1854368, MONDO:0011541, OMIM 605362.

Submissions (2):

Labcorp Genetics (formerly Invitae), Labcorp
Classification: Uncertain significance for Dilated cardiomyopathy 1J. Last evaluated: 2023-08-27. Review status: criteria provided, single submitter. Criteria: Invitae Variant Classification Sherloc (09022015). Collection method: clinical testing. Allele origin: germline.
Comment: In summary, the available evidence is currently insufficient to determine the role of this variant in disease. Therefore, it has been classified as a Variant of Uncertain Significance. Advanced modeling of protein sequence and biophysical properties (such as structural, functional, and spatial information, amino acid conservation, physicochemical variation, residue mobility, and thermodynamic stability) performed at Invitae indicates that this missense variant is expected to disrupt EYA4 protein function. ClinVar contains an entry for this variant (Variation ID: 1693092). This variant has not been reported in the literature in individuals affected with EYA4-related conditions. This variant is not present in population databases (gnomAD no frequency). This sequence change replaces leucine, which is neutral and non-polar, with valine, which is neutral and non-polar, at codon 421 of the EYA4 protein (p.Leu421Val).

GeneDx
Classification: Uncertain significance. Last evaluated: 2021-12-22. Review status: criteria provided, single submitter. Criteria: GeneDx Variant Classification Process June 2021. Collection method: clinical testing. Allele origin: germline. Affected: yes.
Comment: Not observed at significant frequency in large population cohorts (gnomAD); In silico analysis supports that this missense variant does not alter protein structure/function; Has not been previously published as pathogenic or benign to our knowledge